The following is an entry in ClinVar:

NM_000397.4(CYBB):c.1522_1523del (p.Lys508fs)

Gene: CYBB (cytochrome b-245 beta chain; plus strand). Cytogenetic location: Xp11.4.
Variant type: Deletion.
Coding change: c.1522_1523del on transcript NM_000397.4 (MANE Select); coding-DNA positions 1522 to 1523, 2 bases deleted (AA; older notation c.1522_1523delAA).
Protein change: p.Lys508fs; shifts the reading frame from lysine 508.
Molecular consequence: frameshift variant.
Genome position (GRCh38, 1-based): chrX:37,809,627-37,809,628, AA deleted; deleting any 2 consecutive bases within chrX:37,809,625-37,809,628 gives the same sequence; the c. name uses the placement nearest the transcript's 3' end. VCF-style (leftmost placement, unchanged base first): chrX-37809624-CAA-C. GRCh37 (hg19) VCF-style: chrX-37668877-CAA-C.
Other names: short protein forms K508fs.
Identifiers: ClinVar variation 4710717 (VCV004710717.1).
Genomic context (GRCh38, chrX:37,809,624, plus strand): 5'-TAGGCCAATCACTTTGCTGTGCACCATGATGAGGAGAAAGATGTGATCACAGGCCTGAAA[CAA>C]AAGACTTTGTATGGACGGCCCAACTGGGATAATGAATTCAAGACAATTGCAAGTCAACAC-3'

ClinVar aggregate classification (germline): Pathogenic (1 of 4 stars; one submission).

Conditions:
Granulomatous disease, chronic, X-linked. Also called: GRANULOMATOUS DISEASE, CHRONIC, X-LINKED, SOMATIC MOSAIC; CYTOCHROME b-NEGATIVE GRANULOMATOUS DISEASE, CHRONIC, X-LINKED. Identifiers: Orphanet 379, MedGen C1844376, MONDO:0010600, OMIM 306400.

Submission:

Labcorp Genetics (formerly Invitae), Labcorp
Classification: Pathogenic for Granulomatous disease, chronic, X-linked. Last evaluated: 2025-06-03. Review status: criteria provided, single submitter. Criteria: Invitae Variant Classification Sherloc (09022015). Collection method: clinical testing. Allele origin: germline.
Comment: This sequence change creates a premature translational stop signal (p.Lys508Aspfs*10) in the CYBB gene. While this is not anticipated to result in nonsense mediated decay, it is expected to disrupt the last 63 amino acid(s) of the CYBB protein. This variant is not present in population databases (gnomAD no frequency). This premature translational stop signal has been observed in individual(s) with chronic granulomatous disease (PMID: 11162142, 30936962). This variant is also known as 1532/1535 AA Deletion; c.1520_1521del. This variant disrupts a region of the CYBB protein in which other variant(s) (p.Glu568Lys) have been determined to be pathogenic (PMID: 10627478, 20724480). This suggests that this is a clinically significant region of the protein, and that variants that disrupt it are likely to be disease-causing. For these reasons, this variant has been classified as Pathogenic.

Literature cited by the submitters: PubMed 11162142; PubMed 30936962; PubMed 10627478; PubMed 20724480.